The following is an entry in ClinVar:

ClinVar aggregate classification (germline): Pathogenic/Likely pathogenic. Review status: criteria provided, multiple submitters, no conflicts (2 of 4 stars). 12 submissions from 12 submitters: Pathogenic (10); Likely pathogenic (1). 1 of the submissions does not count toward it. Last evaluated 2025-12-21.

Conditions:
Autosomal recessive CHRNE-related disorders.
CHRNE-related disorder. Also called: CHRNE-related condition.
Congenital myasthenic syndrome 4B. Also called: Myasthenic syndrome, congenital, 4b, fast-channel. Identifiers: Orphanet 590, MedGen C4225369, MONDO:0014586, OMIM 616324.
Congenital myasthenic syndrome 4C (CMS4C). Also called: Myasthenic syndrome, congenital, associated with acetylcholine receptor deficiency. Identifiers: Orphanet 590, MedGen C1837091, MONDO:0012157, OMIM 608931.
Congenital myasthenic syndrome 4A. Also called: CONGENITAL MYASTHENIC SYNDROME TYPE Ia1; Myasthenic syndrome, congenital, 4a, slow-channel; MYASTHENIC SYNDROME, CONGENITAL, 4A, SLOW-CHANNEL, AUTOSOMAL RECESSIVE. Identifiers: Orphanet 590, MedGen C4225413, MONDO:0011600, OMIM 605809.
Congenital myasthenic syndrome (CMS). Also called: Congenital Myasthenic Syndromes. Identifiers: Orphanet 590, MedGen C0751882, MeSH D020294, MONDO:0018940.

Allele frequency attached by ClinVar (database versions not stated): TOPMed 0.00002; gnomAD 0.00003; gnomAD exomes 0.00003.

Submissions (12):

Labcorp Genetics (formerly Invitae), Labcorp
Classification: Pathogenic for Congenital myasthenic syndrome 4A. Last evaluated: 2025-12-21. Review status: criteria provided, single submitter. Criteria: Invitae Variant Classification Sherloc (09022015). Collection method: clinical testing. Allele origin: germline.
Comment: This sequence change creates a premature translational stop signal (p.Ile324Thrfs*61) in the CHRNE gene. It is expected to result in an absent or disrupted protein product. Loss-of-function variants in CHRNE are known to be pathogenic (PMID: 22678886). This variant is not present in population databases (gnomAD no frequency). This premature translational stop signal has been observed in individuals with autosomal recessive congenital myasthenic syndromes (PMID: 11030414, 16087917). This variant is also known as 911delT. ClinVar contains an entry for this variant (Variation ID: 18348). For these reasons, this variant has been classified as Pathogenic.

Variantyx, Inc.
Classification: Pathogenic for Autosomal recessive CHRNE-related disorders. Last evaluated: 2025-08-26. Review status: criteria provided, single submitter. Criteria: Variantyx Assertion Criteria 2022. Collection method: clinical testing. Allele origin: germline. Inheritance: Autosomal recessive inheritance. Affected: no.
Comment: This is a frameshift variant in the CHRNE gene (OMIM: 100725). Pathogenic variants in this gene have been associated with autosomal recessive CHRNE-related disorders. This variant introduces a premature termination codon in exon 9 out of 12 and is expected to result in loss of function, which is a known disease mechanism for CHRNE in this disorder (PMID: 20301347) (PVS1). This variant has been identified in the homozygous or compound heterozygous state in at least 2 individuals reported in the published literature (PMID: 11030414). This variant has a 0.0037% maximum allele frequency in non-founder control populations (PM2). Based on the current evidence, this variant is classified as pathogenic for autosomal recessive CHRNE-related disorders.

Natera, Inc.
Classification: Pathogenic for Congenital myasthenic syndrome. Last evaluated: 2025-04-04. Review status: criteria provided, single submitter. Criteria: Natera Variant Classification Schema (03/2026). Collection method: clinical testing. Allele origin: germline.
Comment: The c.971delT variant in CHRNE is a frameshift variant predicted to shift the reading frame beginning at codon 324 and leads to a stop codon 61 codons downstream. This variant is expected to result in nonsense mediated decay, truncation, or a dysfunctional protein product. This variant is rare in the general population with a frequency below the threshold expected for the associated phenotype(s). This variant has been observed in one or more individuals affected with the associated recessive disease, as either homozygous or compound heterozygous with a second variant (PMID: 36522822, 11030414). Additionally, this variant has been observed to segregate in affected family members (PMID: 11030414). Given the available evidence, this variant is classified as Pathogenic.

Myriad Genetics, Inc.
Classification: Pathogenic for Congenital myasthenic syndrome. Last evaluated: 2025-01-02. Review status: criteria provided, single submitter. Criteria: Myriad Autosomal Dominant, Autosomal Recessive and X-Linked Classification Criteria (2023). Collection method: clinical testing. Allele origin: unknown.
Comment: NM_000080.3(CHRNE):c.971delT(I324Tfs*61) is a frameshift variant classified as pathogenic in the context of congenital myasthenic syndrome, CHRNE-related. I324Tfs*61 has been observed in a case with relevant disease (PMID: 11030414). Relevant functional assessments of this variant are not available in the literature. I324Tfs*61 has not been observed in referenced population frequency databases. In summary, NM_000080.3(CHRNE):c.971delT(I324Tfs*61) is a frameshift variant in a gene where loss of function is a known mechanism of disease, is predicted to disrupt protein function, and has been observed more frequently in cases with the relevant disease than in healthy populations. Please note: this variant was assessed in the context of healthy population screening.

Fulgent Genetics
Classification: Pathogenic for Congenital myasthenic syndrome 4A; Congenital myasthenic syndrome 4C; Congenital myasthenic syndrome 4B. Last evaluated: 2024-04-18. Review status: criteria provided, single submitter. Criteria: ACMG Guidelines, 2015. Collection method: clinical testing. Allele origin: germline.

Baylor Genetics
Classification: Pathogenic for Congenital myasthenic syndrome 4A. Last evaluated: 2024-03-20. Review status: criteria provided, single submitter. Criteria: ACMG Guidelines, 2015. Collection method: clinical testing. Allele origin: unknown.

Blueprint Genetics
Classification: Pathogenic for CHRNE-related disorders. Last evaluated: 2023-08-23. Review status: criteria provided, single submitter. Criteria: ACMG Guidelines, 2015. Collection method: clinical testing. Allele origin: germline. Affected: yes. Observed: 5 variant alleles.

GeneDx
Classification: Pathogenic. Last evaluated: 2023-07-20. Review status: criteria provided, single submitter. Criteria: GeneDx Variant Classification Process June 2021. Collection method: clinical testing. Allele origin: germline. Affected: yes.
Comment: Using alternate nomenclature (c.911delT), reported in association with autosomal recessive congenital myasthenia syndrome when in trans with another disease-causing variant (Sieb et al., 2000; Burke et al., 2004; Muller et al., 2005); Expression of variant in HEK 293 cells showed decreased cell surface expression of the protein (Burke et al., 2004); Frameshift variant predicted to result in protein truncation or nonsense mediated decay in a gene for which loss-of-function is a known mechanism of disease; Not observed at significant frequency in large population cohorts (gnomAD); This variant is associated with the following publications: (PMID: 11030414, 15145336, 16087917, 9443457, 29395675)

MGZ Medical Genetics Center
Classification: Likely pathogenic for Congenital myasthenic syndrome 4B. Last evaluated: 2022-08-16. Review status: criteria provided, single submitter. Criteria: ACMG Guidelines, 2015. Collection method: clinical testing. Allele origin: germline. Affected: yes. Observed: 1 variant allele.
Comment: ACMG criteria applied: PVS1, PM2_SUP

Revvity Omics, Revvity
Classification: Pathogenic. Last evaluated: 2019-05-24. Review status: criteria provided, single submitter. Criteria: ACMG Guidelines, 2015. Collection method: clinical testing. Allele origin: germline.

Eurofins Ntd Llc (ga)
Classification: Pathogenic. Last evaluated: 2016-04-05. Review status: criteria provided, single submitter. Criteria: EGL Classification Definitions 2015. Collection method: clinical testing. Allele origin: germline. Observed: 1 variant allele, 1 heterozygote.

OMIM
Classification: Pathogenic for MYASTHENIC SYNDROME, CONGENITAL, 4C, ASSOCIATED WITH ACETYLCHOLINE RECEPTOR DEFICIENCY. Last evaluated: 2005-08-09. Review status: no assertion criteria provided. Collection method: literature only. Allele origin: germline. Not counted in ClinVar's aggregate classification.

Literature cited by the submitters: PubMed 22678886 (cited by Labcorp Genetics (formerly Invitae), Labcorp); PubMed 11030414 (cited by 5 submitters); PubMed 16087917 (cited by Labcorp Genetics (formerly Invitae), Labcorp and OMIM); PubMed 20301347 (cited by Variantyx, Inc.); PubMed 36522822 (cited by Natera, Inc.); PubMed 9443457 (cited by OMIM).

NM_000080.4(CHRNE):c.971del (p.Ile324fs)

Gene: CHRNE (cholinergic receptor nicotinic epsilon subunit; minus strand). Cytogenetic location: 17p13.2.
Variant type: Deletion.
Coding change: c.971del on transcript NM_000080.4 (MANE Select); coding-DNA position 971, one base deleted (T; older notation c.971delT).
Protein change: p.Ile324fs; shifts the reading frame from isoleucine 324.
Molecular consequence: frameshift variant.
Genome position (GRCh38, 1-based): chr17:4,899,529, A deleted on the plus strand (T on the coding strand, the reverse complement: CHRNE is on the minus strand). VCF-style (leftmost placement, unchanged base first): chr17-4899528-GA-G. GRCh37 (hg19) VCF-style: chr17-4802823-GA-G.
Other names: c.971del, p.Ile324fs (LRG_1254t1); c.971delT (NM_000080.4); c.971del (NM_000080.3); short protein forms I324fs.
Identifiers: ClinVar variation 18348 (VCV000018348.32), dbSNP rs879255562, ClinGen allele CA10575535.
Genomic context (GRCh38, chr17:4,899,528, plus strand): 5'-GTGGCGCAGCCGCGGGGACATGGCGTGGGTGGTGGGCGTCCGCTGGGACACGTTGAGCAC[GA>G]TGACGCAATTCATGACAATGAGCGTGGCGACCACCATGACGAAAATAAGGAACCTGAGGA-3'